The following is an entry in ClinVar:

NM_001972.4(ELANE):c.287G>C (p.Arg96Pro)

Gene: ELANE (elastase, neutrophil expressed; plus strand). Cytogenetic location: 19p13.3.
Variant type: single nucleotide variant.
Coding change: c.287G>C on transcript NM_001972.4 (MANE Select); coding-DNA position 287, G replaced by C.
Protein change: p.Arg96Pro; replaces arginine 96 with proline.
Molecular consequence: missense variant.
Genome position (GRCh38, 1-based): chr19:853,324, G>C. VCF-style: chr19-853324-G-C. GRCh37 (hg19) VCF-style: chr19-853324-G-C.
Other names: short protein forms R96P.
Identifiers: ClinVar variation 2429344 (VCV002429344.1), dbSNP rs1008048630, ClinGen allele CA402916008.
Genomic context (GRCh38, chr19:853,324, plus strand): 5'-ACGTCCGCGCGGTGCGGGTGGTCCTGGGAGCCCATAACCTCTCGCGGCGGGAGCCCACCC[G>C]GCAGGTGTTCGCCGTGCAGCGCATCTTCGAAAACGGCTACGACCCCGTAAACTTGCTCAA-3'
Protein context (NP_001963.1, residues 86-106): AHNLSRREPT[Arg96Pro]QVFAVQRIFE

ClinVar aggregate classification (germline): Uncertain significance (1 of 4 stars; one submission).

Conditions:
Cyclical neutropenia. Also called: Cyclic Neutropenia; Cyclic hematopoiesis. Identifiers: Orphanet 2686, MedGen C0221023, MONDO:0008090, OMIM 162800, HP:0040289. Disease mechanism: loss of function.

gnomAD v4.1: 2 of 1,610,354 alleles (0.00012%); highest among the groups gnomAD compares: Non-Finnish European, 0.00017%; no homozygotes.

Submission:

Department of Human Genetics, Hannover Medical School
Classification: Uncertain significance for Cyclical neutropenia. Last evaluated: 2023-02-13. Review status: criteria provided, single submitter. Criteria: ACMG Guidelines, 2015. Collection method: clinical testing. Allele origin: germline. Affected: yes.
Comment: The VUS detected here is a missense variant that leads to an exchange of the amino acid arginine, which is highly conserved at the site, to proline. The variant is not listed in the LOVD shared and ClinVar databases. A variant NM_001972.4(ELANE):c.286C>T (p.Arg96Trp) listed at the same amino acid position is scored as VUS in the ClinVar database. The variant is not listed in the gnomAD population database (gnomAD; ALL). An in silico analysis of this change using the REVEL program (see below) suggests that it may be a variant without clinical significance. Literature data are currently not available.